The following is an entry in ClinVar:

NM_032638.5(GATA2):c.43G>C (p.Ala15Pro)

Gene: GATA2 (GATA binding protein 2; minus strand). Cytogenetic location: 3q21.3.
Variant type: single nucleotide variant.
Coding change: c.43G>C on transcript NM_032638.5 (MANE Select); coding-DNA position 43, G replaced by C.
Protein change: p.Ala15Pro; replaces alanine 15 with proline.
Molecular consequence: missense variant.
Genome position (GRCh38, 1-based): chr3:128,486,989, C>G on the plus strand (G>C on the coding strand, the complement: GATA2 is on the minus strand). VCF-style: chr3-128486989-C-G. GRCh37 (hg19) VCF-style: chr3-128205832-C-G.
Other names: c.43G>C, p.Ala15Pro (NM_001145661.2, NM_001145662.1); short protein forms A15P.
Identifiers: ClinVar variation 2099707 (VCV002099707.5), dbSNP rs1413920280, ClinGen allele CA354409169.
Genomic context (GRCh38, chr3:128,486,989, plus strand): 5'-CCATGTAGTTGTGCGCCAGGCCCGGGTGGTGTGAGTCGGGGTGCTGCGCATTCAGCACGG[C>G]CGGGTGCGCCATCCAGCGCGGCTGCTCGGGCGCCACCTCCATGGCCGGCGGCGGCGGCTC-3'
Protein context (NP_116027.2, residues 5-25): PEQPRWMAHP[Ala15Pro]VLNAQHPDSH

ClinVar aggregate classification (germline): Uncertain significance. Review status: criteria provided, multiple submitters, no conflicts (2 of 4 stars). 2 submissions from 2 submitters: Uncertain significance (2). Last evaluated 2026-05-11.

Conditions:
Inborn genetic diseases. Identifiers: MedGen C0950123, MeSH D030342.
Monocytopenia with susceptibility to infections. Also called: IMMUNODEFICIENCY 21; GATA2 DEFICIENCY; MONOCYTOPENIA AND MYCOBACTERIAL INFECTION SYNDROME; MONOCYTOPENIA WITH SUSCEPTIBILITY TO MYCOBACTERIAL, FUNGAL, AND PAPILLOMAVIRUS INFECTIONS AND MYELODYSPLASIA; COMBINED IMMUNODEFICIENCY WITH SUSCEPTIBILITY TO MYCOBACTERIAL, VIRAL, AND FUNGAL INFECTIONS; Dendritic cell, monocyte, B lymphocyte, and natural killer lymphocyte deficiency. Identifiers: Orphanet 228423, MedGen C3280030, MONDO:0013607, OMIM 614172.
Deafness-lymphedema-leukemia syndrome. Also called: Emberger syndrome; Lymphedema, primary, with myelodysplasia. Identifiers: Orphanet 3226, MedGen C3279664, MONDO:0013540, OMIM 614038.

Submissions (2):

Ambry Genetics
Classification: Uncertain significance for Inborn genetic diseases. Last evaluated: 2026-05-11. Review status: criteria provided, single submitter. Criteria: Ambry Variant Classification Scheme 2023. Collection method: clinical testing. Allele origin: germline.
Comment: The p.A15P variant (also known as c.43G>C), located in coding exon 1 of the GATA2 gene, results from a G to C substitution at nucleotide position 43. The alanine at codon 15 is replaced by proline, an amino acid with highly similar properties. This amino acid position is highly conserved in available vertebrate species. In addition, the in silico prediction for this alteration is inconclusive. Based on the available evidence, the clinical significance of this variant remains unclear.

Labcorp Genetics (formerly Invitae), Labcorp
Classification: Uncertain significance for Monocytopenia with susceptibility to infections; Deafness-lymphedema-leukemia syndrome. Last evaluated: 2022-02-19. Review status: criteria provided, single submitter. Criteria: Invitae Variant Classification Sherloc (09022015). Collection method: clinical testing. Allele origin: germline.
Comment: In summary, the available evidence is currently insufficient to determine the role of this variant in disease. Therefore, it has been classified as a Variant of Uncertain Significance. Advanced modeling of protein sequence and biophysical properties (such as structural, functional, and spatial information, amino acid conservation, physicochemical variation, residue mobility, and thermodynamic stability) performed at Invitae indicates that this missense variant is not expected to disrupt GATA2 protein function. This variant has not been reported in the literature in individuals affected with GATA2-related conditions. This variant is not present in population databases (gnomAD no frequency). This sequence change replaces alanine, which is neutral and non-polar, with proline, which is neutral and non-polar, at codon 15 of the GATA2 protein (p.Ala15Pro).